The following is an entry in ClinVar:

NM_000271.5(NPC1):c.3811G>C (p.Glu1271Gln)

Gene: NPC1 (NPC intracellular cholesterol transporter 1; minus strand). Cytogenetic location: 18q11.2.
Variant type: single nucleotide variant.
Coding change: c.3811G>C on transcript NM_000271.5 (MANE Select); coding-DNA position 3811, G replaced by C.
Protein change: p.Glu1271Gln; replaces glutamic acid 1271 with glutamine.
Molecular consequence: missense variant.
Genome position (GRCh38, 1-based): chr18:23,532,228, C>G on the plus strand (G>C on the coding strand, the complement: NPC1 is on the minus strand). VCF-style: chr18-23532228-C-G. GRCh37 (hg19) VCF-style: chr18-21112192-C-G.
Other names: short protein forms E1271Q.
Identifiers: ClinVar variation 594215 (VCV000594215.7), dbSNP rs140527006, ClinGen allele CA8912635.

ClinVar aggregate classification (germline): Uncertain significance. Review status: criteria provided, multiple submitters, no conflicts (2 of 4 stars). 3 submissions from 3 submitters: Uncertain significance (3). Last evaluated 2023-04-18.

Conditions:
Niemann-Pick disease, type C1. Also called: NEUROVISCERAL STORAGE DISEASE WITH VERTICAL SUPRANUCLEAR OPHTHALMOPLEGIA; NIEMANN-PICK DISEASE WITH CHOLESTEROL ESTERIFICATION BLOCK; NIEMANN-PICK DISEASE WITHOUT SPHINGOMYELINASE DEFICIENCY; NIEMANN-PICK DISEASE, CHRONIC NEURONOPATHIC FORM; NIEMANN-PICK DISEASE, VARIANT TYPE C1. Identifiers: Orphanet 646, MedGen C3179455, MONDO:0009757, OMIM 257220.

Allele frequency attached by ClinVar (database versions not stated): ExAC 0.00001; gnomAD exomes 0.00001 and 0.00002; gnomAD 0.00004 and 0.00006; TOPMed 0.00006; ESP Exome Variant Server 0.00008.
gnomAD v4.1: 19 of 1,614,092 alleles (0.0012%); highest among the groups gnomAD compares: African/African-American, 0.024%; no homozygotes.

Submissions (3):

Department of Pathology and Laboratory Medicine, Sinai Health System
Classification: Uncertain significance for Niemann-Pick disease, type C1. Last evaluated: 2023-04-18. Review status: criteria provided, single submitter. Criteria: ACMG Guidelines, 2015. Collection method: research. Allele origin: germline.

Labcorp Genetics (formerly Invitae), Labcorp
Classification: Uncertain significance for Niemann-Pick disease, type C1. Last evaluated: 2022-05-14. Review status: criteria provided, single submitter. Criteria: Invitae Variant Classification Sherloc (09022015). Collection method: clinical testing. Allele origin: germline.
Comment: This sequence change replaces glutamic acid, which is acidic and polar, with glutamine, which is neutral and polar, at codon 1271 of the NPC1 protein (p.Glu1271Gln). This variant is present in population databases (rs140527006, gnomAD 0.03%). This variant has not been reported in the literature in individuals affected with NPC1-related conditions. ClinVar contains an entry for this variant (Variation ID: 594215). Algorithms developed to predict the effect of missense changes on protein structure and function are either unavailable or do not agree on the potential impact of this missense change (SIFT: "Tolerated"; PolyPhen-2: "Probably Damaging"; Align-GVGD: "Class C0"). In summary, the available evidence is currently insufficient to determine the role of this variant in disease. Therefore, it has been classified as a Variant of Uncertain Significance.

Eurofins Ntd Llc (ga)
Classification: Uncertain significance. Last evaluated: 2017-09-29. Review status: criteria provided, single submitter. Criteria: EGL Classification Definitions 2015. Collection method: clinical testing. Allele origin: germline. Observed: 1 variant allele, 1 heterozygote.